The following is an entry in ClinVar:

NM_003738.5(PTCH2):c.3107T>G (p.Val1036Gly)

Gene: PTCH2 (patched 2; minus strand). Cytogenetic location: 1p34.1.
Variant type: single nucleotide variant.
Coding change: c.3107T>G on transcript NM_003738.5 (MANE Select); coding-DNA position 3107, T replaced by G.
Protein change: p.Val1036Gly; replaces valine 1036 with glycine.
Molecular consequence: missense variant.
Genome position (GRCh38, 1-based): chr1:44,826,257, A>C on the plus strand (T>G on the coding strand, the complement: PTCH2 is on the minus strand). VCF-style: chr1-44826257-A-C. GRCh37 (hg19) VCF-style: chr1-45291929-A-C.
Other names: c.3107T>G, p.Val1036Gly (NM_001166292.2); short protein forms V1036G.
Identifiers: ClinVar variation 856375 (VCV000856375.13), dbSNP rs1653137067, ClinGen allele CA340108062.
Genomic context (GRCh38, chr1:44,826,257, plus strand): 5'-GTGTTGAATACTGAATCAGCTGATTGGTCCCTCCCCGGGGTGCCCGTGCTCACCAGAGCC[A>C]CGTGGACTGTGAACTCAACGCCAATGCCTACAGAGGCCACAAGGATCACCACGGGGATGG-3'
Protein context (NP_003729.3, residues 1026-1046): VGIGVEFTVH[Val1036Gly]ALGFLTTQGS

ClinVar aggregate classification (germline): Uncertain significance (1 of 4 stars; one submission).

Conditions:
Gorlin syndrome. Also called: Nevoid Basal Cell Carcinoma Syndrome; Basal cell nevus syndrome. Identifiers: Orphanet 377, MedGen C0004779, MONDO:0007187.

Submission:

Labcorp Genetics (formerly Invitae), Labcorp
Classification: Uncertain significance for Gorlin syndrome. Last evaluated: 2019-12-16. Review status: criteria provided, single submitter. Criteria: Invitae Variant Classification Sherloc (09022015). Collection method: clinical testing. Allele origin: germline.
Comment: Algorithms developed to predict the effect of missense changes on protein structure and function are either unavailable or do not agree on the potential impact of this missense change (SIFT: "Deleterious"; PolyPhen-2: "Possibly Damaging"; Align-GVGD: "Class C0"). In summary, the available evidence is currently insufficient to determine the role of this variant in disease. Therefore, it has been classified as a Variant of Uncertain Significance. This variant has not been reported in the literature in individuals with PTCH2-related conditions. This variant is not present in population databases (ExAC no frequency). This sequence change replaces valine with glycine at codon 1036 of the PTCH2 protein (p.Val1036Gly). The valine residue is moderately conserved and there is a moderate physicochemical difference between valine and glycine.